The following is an entry in ClinVar:

ClinVar aggregate classification (germline): Uncertain significance. Review status: criteria provided, multiple submitters, no conflicts (2 of 4 stars). 2 submissions from 2 submitters: Uncertain significance (2). Last evaluated 2024-09-16.

gnomAD v4.1: 2 of 1,613,728 alleles (0.00012%); highest among the groups gnomAD compares: South Asian, 0.0011%; no homozygotes.

Submissions (2):

Labcorp Genetics (formerly Invitae), Labcorp
Classification: Uncertain significance. Last evaluated: 2024-09-16. Review status: criteria provided, single submitter. Criteria: Invitae Variant Classification Sherloc (09022015). Collection method: clinical testing. Allele origin: germline.
Comment: This sequence change replaces serine, which is neutral and polar, with threonine, which is neutral and polar, at codon 16 of the ABL1 protein (p.Ser16Thr). This variant is not present in population databases (gnomAD no frequency). This variant has not been reported in the literature in individuals affected with ABL1-related conditions. Invitae Evidence Modeling of protein sequence and biophysical properties (such as structural, functional, and spatial information, amino acid conservation, physicochemical variation, residue mobility, and thermodynamic stability) indicates that this missense variant is not expected to disrupt ABL1 protein function with a negative predictive value of 95%. In summary, the available evidence is currently insufficient to determine the role of this variant in disease. Therefore, it has been classified as a Variant of Uncertain Significance.

Blueprint Genetics
Classification: Uncertain significance. Last evaluated: 2019-02-15. Review status: criteria provided, single submitter. Criteria: ACMG Guidelines, 2015. Collection method: clinical testing. Allele origin: germline.

NM_007313.3(ABL1):c.47G>C (p.Ser16Thr)

Genes: ABL1 (ABL proto-oncogene 1, non-receptor tyrosine kinase; plus strand), LOC107980440 (ABL breakpoint recombination region; plus strand). Cytogenetic location: 9q34.12.
Variant type: single nucleotide variant.
Coding change: c.47G>C on transcript NM_007313.3; coding-DNA position 47, G replaced by C.
Protein change: p.Ser16Thr; replaces serine 16 with threonine.
Molecular consequence: missense variant.
Genome position (GRCh38, 1-based): chr9:130,714,366, G>C. VCF-style: chr9-130714366-G-C. GRCh37 (hg19) VCF-style: chr9-133589753-G-C.
Other names: short protein forms S16T.
Identifiers: ClinVar variation 3635933 (VCV003635933.3).